The following is an entry in ClinVar:

NM_032043.3(BRIP1):c.2379+218G>A

Gene: BRIP1 (BRCA1 interacting DNA helicase 1; minus strand). Cytogenetic location: 17q23.2.
Variant type: single nucleotide variant.
Coding change: c.2379+218G>A on transcript NM_032043.3 (MANE Select); 218 bases into the intron after coding-DNA position 2379, G replaced by A.
Molecular consequence: intron variant.
Genome position (GRCh38, 1-based): chr17:61,742,795, C>T on the plus strand (G>A on the coding strand, the complement: BRIP1 is on the minus strand). VCF-style: chr17-61742795-C-T. GRCh37 (hg19) VCF-style: chr17-59820156-C-T.
Identifiers: ClinVar variation 679703 (VCV000679703.1), dbSNP rs72842977, ClinGen allele CA292268850.

ClinVar aggregate classification (germline): Likely benign (1 of 4 stars; one submission).

Allele frequency attached by ClinVar (database versions not stated): 1000 Genomes Project 0.00699; 1000 Genomes Project 30x 0.00765; TOPMed 0.00824; gnomAD 0.00941 and 0.00959.
gnomAD v4.1: 1,488 of 152,150 alleles (0.98%); highest among the groups gnomAD compares: South Asian, 2.2%; 11 homozygotes.

Submission:

GeneDx
Classification: Likely benign. Last evaluated: 2018-06-17. Review status: criteria provided, single submitter. Criteria: GeneDx Variant Classification (06012015). Collection method: clinical testing. Allele origin: germline. Affected: yes.
Comment: This variant is considered likely benign or benign based on one or more of the following criteria: it is a conservative change, it occurs at a poorly conserved position in the protein, it is predicted to be benign by multiple in silico algorithms, and/or has population frequency not consistent with disease.